The following is an entry in ClinVar:

ClinVar aggregate classification (germline): Likely benign. Review status: criteria provided, multiple submitters, no conflicts (2 of 4 stars). 2 submissions from 2 submitters: Likely benign (2). Last evaluated 2026-01-05.

Conditions:
Dilated cardiomyopathy 1W (CMD1W). Identifiers: Orphanet 154, MedGen C1969639, MONDO:0012667, OMIM 611407.

Allele frequency attached by ClinVar (database versions not stated): gnomAD exomes below 0.00001; TOPMed below 0.00001; gnomAD 0.00001.
gnomAD v4.1: 5 of 1,613,668 alleles (0.00031%); highest among the groups gnomAD compares: Non-Finnish European, 0.00042%; no homozygotes.

Submissions (2):

Labcorp Genetics (formerly Invitae), Labcorp
Classification: Likely benign for Dilated cardiomyopathy 1W. Last evaluated: 2026-01-05. Review status: criteria provided, single submitter. Criteria: Invitae Variant Classification Sherloc (09022015). Collection method: clinical testing. Allele origin: germline.

CeGaT Center for Human Genetics Tuebingen
Classification: Likely benign. Last evaluated: 2023-01-01. Review status: criteria provided, single submitter. Criteria: CeGaT Center For Human Genetics Tuebingen Variant Classification Criteria Version 2. Collection method: clinical testing. Allele origin: germline. Affected: yes. Observed: 1 variant allele.
Comment: VCL: BP4, BP7

NM_014000.3(VCL):c.3099C>T (p.Ala1033=)

Gene: VCL (vinculin; plus strand). Cytogenetic location: 10q22.2.
Variant type: single nucleotide variant.
Coding change: c.3099C>T on transcript NM_014000.3 (MANE Select); coding-DNA position 3099, C replaced by T.
Protein change: p.Ala1033=; no amino-acid change (alanine 1033 retained).
Molecular consequence: synonymous variant.
Genome position (GRCh38, 1-based): chr10:74,114,333, C>T. VCF-style: chr10-74114333-C-T. GRCh37 (hg19) VCF-style: chr10-75874091-C-T.
Other names: c.2895C>T, p.Ala965= (NM_003373.4).
Identifiers: ClinVar variation 2640596 (VCV002640596.26), dbSNP rs1392784581, ClinGen allele CA470166544.